The following is an entry in ClinVar:

ClinVar aggregate classification (germline): Uncertain significance (1 of 4 stars; one submission).

Conditions:
Inborn genetic diseases. Identifiers: MedGen C0950123, MeSH D030342.

Submission:

Ambry Genetics
Classification: Uncertain significance for Inborn genetic diseases. Last evaluated: 2024-03-05. Review status: criteria provided, single submitter. Criteria: Ambry Variant Classification Scheme 2023. Collection method: clinical testing. Allele origin: germline.
Comment: The p.E814K variant (also known as c.2440G>A), located in coding exon 19 of the LRRK2 gene, results from a G to A substitution at nucleotide position 2440. The glutamic acid at codon 814 is replaced by lysine, an amino acid with similar properties. This amino acid position is conserved. In addition, the in silico prediction for this alteration is inconclusive. Based on the available evidence, the clinical significance of this alteration remains unclear.

NM_198578.4(LRRK2):c.2440G>A (p.Glu814Lys)

Gene: LRRK2 (leucine rich repeat kinase 2; plus strand). Cytogenetic location: 12q12.
Variant type: single nucleotide variant.
Coding change: c.2440G>A on transcript NM_198578.4 (MANE Select); coding-DNA position 2440, G replaced by A.
Protein change: p.Glu814Lys; replaces glutamic acid 814 with lysine.
Molecular consequence: missense variant.
Genome position (GRCh38, 1-based): chr12:40,284,073, G>A. VCF-style: chr12-40284073-G-A. GRCh37 (hg19) VCF-style: chr12-40677875-G-A.
Other names: short protein forms E814K.
Identifiers: ClinVar variation 3229556 (VCV003229556.1), dbSNP rs2499665248, ClinGen allele CA384407211.